The following is an entry in ClinVar:

ClinVar aggregate classification (germline): Pathogenic. Review status: criteria provided, multiple submitters, no conflicts (2 of 4 stars). 3 submissions from 3 submitters: Pathogenic (2). 1 of the submissions does not count toward it. Last evaluated 2024-10-08.

Conditions:
Bethlem myopathy 1B (BTHLM1B). Identifiers: MedGen C5935580, MONDO:0958233, OMIM 620725.
Bethlem myopathy 1A. Also called: MYOPATHY, BENIGN CONGENITAL, WITH CONTRACTURES; Bethlem myopathy 1; Bethlem Muscular Dystrophy. Identifiers: Orphanet 610, MedGen CN029274, MONDO:0024530, OMIM 158810.

Submissions (3):

Labcorp Genetics (formerly Invitae), Labcorp
Classification: Pathogenic for Bethlem myopathy 1A. Last evaluated: 2024-10-08. Review status: criteria provided, single submitter. Criteria: Invitae Variant Classification Sherloc (09022015). Collection method: clinical testing. Allele origin: germline.
Comment: This sequence change affects a donor splice site in intron 7 of the COL6A2 gene. It is expected to disrupt RNA splicing. Variants that disrupt the donor or acceptor splice site typically lead to a loss of protein function (PMID: 16199547), and loss-of-function variants in COL6A2 are known to be disease-causing for autosomal recessive COL6A2-related conditions (PMID: 21280092, 20976770). However, certain variants affecting donor or acceptor splice sites in the triple helical domain of COL6A2 are expected to result in in-frame exon skipping and have been reported to cause autosomal dominant COL6A2-related conditions (PMID: 18366090). This variant is not present in population databases (gnomAD no frequency). Disruption of this splice site has been observed in individual(s) with clinical features of autosomal dominant type VI collagenopathies (PMID: 25204870, 29419890). In at least one individual the variant was observed to be de novo. ClinVar contains an entry for this variant (Variation ID: 501184). Algorithms developed to predict the effect of sequence changes on RNA splicing suggest that this variant may disrupt the consensus splice site. For these reasons, this variant has been classified as Pathogenic.

Eurofins Ntd Llc (ga)
Classification: Pathogenic. Last evaluated: 2017-04-04. Review status: criteria provided, single submitter. Criteria: EGL Classification Definitions 2015. Collection method: clinical testing. Allele origin: germline. Observed: 1 variant allele.

Institute of Human Genetics, University of Wuerzburg
Classification: Likely pathogenic for Bethlem myopathy 1B. Review status: no assertion criteria provided. Collection method: clinical testing. Allele origin: unknown. Affected: yes. Observed: 1 variant allele. Not counted in ClinVar's aggregate classification.

Literature cited by the submitters: PubMed 16199547 (cited by Labcorp Genetics (formerly Invitae), Labcorp); PubMed 21280092 (cited by Labcorp Genetics (formerly Invitae), Labcorp); PubMed 20976770 (cited by Labcorp Genetics (formerly Invitae), Labcorp); PubMed 18366090 (cited by Labcorp Genetics (formerly Invitae), Labcorp); PubMed 25204870 (cited by Labcorp Genetics (formerly Invitae), Labcorp and Eurofins Ntd Llc (ga)); PubMed 29419890 (cited by Labcorp Genetics (formerly Invitae), Labcorp).

NM_001849.4(COL6A2):c.900+1G>A

Gene: COL6A2 (collagen type VI alpha 2 chain; plus strand). Cytogenetic location: 21q22.3.
Variant type: single nucleotide variant.
Coding change: c.900+1G>A on transcript NM_001849.4 (MANE Select); the canonical splice donor site of the intron after coding-DNA position 900, G replaced by A.
Molecular consequence: splice donor variant.
Genome position (GRCh38, 1-based): chr21:46,116,054, G>A. VCF-style: chr21-46116054-G-A. GRCh37 (hg19) VCF-style: chr21-47535968-G-A.
Other names: c.900+1G>A (NM_058175.3, NM_058174.3).
Identifiers: ClinVar variation 501184 (VCV000501184.13), dbSNP rs886044261, ClinGen allele CA410525419.